The following is an entry in ClinVar:

ClinVar aggregate classification (germline): Uncertain significance (1 of 4 stars; one submission).

Allele frequency attached by ClinVar (database versions not stated): gnomAD exomes below 0.00001; TOPMed below 0.00001; gnomAD 0.00001; 1000 Genomes Project 30x 0.00016; 1000 Genomes Project 0.00020.
gnomAD v4.1: 6 of 1,607,340 alleles (0.00037%); highest among the groups gnomAD compares: Middle Eastern, 0.017%; no homozygotes.

Submission:

Labcorp Genetics (formerly Invitae), Labcorp
Classification: Uncertain significance. Last evaluated: 2025-03-22. Review status: criteria provided, single submitter. Criteria: Invitae Variant Classification Sherloc (09022015). Collection method: clinical testing. Allele origin: germline.
Comment: This sequence change replaces arginine, which is basic and polar, with histidine, which is basic and polar, at codon 464 of the RNF31 protein (p.Arg464His). This variant is present in population databases (rs138947287, gnomAD 0.002%). This variant has not been reported in the literature in individuals affected with RNF31-related conditions. ClinVar contains an entry for this variant (Variation ID: 1464386). An algorithm developed to predict the effect of missense changes on protein structure and function outputs the following: PolyPhen-2: "Benign". The histidine amino acid residue is found in multiple mammalian species, which suggests that this missense change does not adversely affect protein function. In summary, the available evidence is currently insufficient to determine the role of this variant in disease. Therefore, it has been classified as a Variant of Uncertain Significance.

NM_017999.5(RNF31):c.1391G>A (p.Arg464His)

Gene: RNF31 (ring finger protein 31; plus strand). Cytogenetic location: 14q12.
Variant type: single nucleotide variant.
Coding change: c.1391G>A on transcript NM_017999.5 (MANE Select); coding-DNA position 1391, G replaced by A.
Protein change: p.Arg464His; replaces arginine 464 with histidine.
Molecular consequence: missense variant.
Genome position (GRCh38, 1-based): chr14:24,150,791, G>A. VCF-style: chr14-24150791-G-A. GRCh37 (hg19) VCF-style: chr14-24620000-G-A.
Other names: c.938G>A, p.Arg313His (NM_001310332.2); short protein forms R313H, R464H.
Identifiers: ClinVar variation 1464386 (VCV001464386.8), dbSNP rs138947287, ClinGen allele CA7125758.